The following is an entry in ClinVar:

NM_001927.4(DES):c.1002G>T (p.Glu334Asp)

Gene: DES (desmin; plus strand). Cytogenetic location: 2q35.
Variant type: single nucleotide variant.
Coding change: c.1002G>T on transcript NM_001927.4 (MANE Select); coding-DNA position 1002, G replaced by T.
Protein change: p.Glu334Asp; replaces glutamic acid 334 with aspartic acid.
Molecular consequence: missense variant. On other transcripts: intron variant (1).
Genome position (GRCh38, 1-based): chr2:219,420,932, G>T. VCF-style: chr2-219420932-G-T. GRCh37 (hg19) VCF-style: chr2-220285654-G-T.
Other names: c.999G>T, p.Glu333Asp (NM_001382708.1); c.1002G>T, p.Glu334Asp (NM_001382710.1, NM_001382711.1, NM_001382712.1); c.732G>T, p.Glu244Asp (NM_001382713.1); c.736-552G>T (NM_001382709.1); short protein forms E244D, E333D, E334D.
Identifiers: ClinVar variation 3763462 (VCV003763462.2).
Genomic context (GRCh38, chr2:219,420,932, plus strand): 5'-GCGCCAGGCCAAGCAGGAGATGATGGAATACCGACACCAGATCCAGTCCTACACCTGCGA[G>T]ATTGACGCCCTGAAGGGCACTGTGAGTCCCTGCCCACCTGGCCAGGCCCTGCCCCTTCCT-3'
Protein context (NP_001918.3, residues 324-344): YRHQIQSYTC[Glu334Asp]IDALKGTNDS

ClinVar aggregate classification (germline): Uncertain significance (1 of 4 stars; one submission).

Conditions:
Desmin-related myofibrillar myopathy (MFM1). Also called: Desminopathy; Desmin related myopathy (former name); Desmin storage myopathy (former name); MYOFIBRILLAR MYOPATHY WITH ARRHYTHMOGENIC RIGHT VENTRICULAR CARDIOMYOPATHY; DESMIN-RELATED MYOPATHY WITH ARRHYTHMOGENIC RIGHT VENTRICULAR CARDIOMYOPATHY; Myofibrillar myopathy 1. Identifiers: Orphanet 363543, Orphanet 98909, MedGen C1832370, MONDO:0011076, OMIM 601419.

Submission:

Labcorp Genetics (formerly Invitae), Labcorp
Classification: Uncertain significance for Desmin-related myofibrillar myopathy. Last evaluated: 2025-01-01. Review status: criteria provided, single submitter. Criteria: Invitae Variant Classification Sherloc (09022015). Collection method: clinical testing. Allele origin: germline.
Comment: This sequence change replaces glutamic acid, which is acidic and polar, with aspartic acid, which is acidic and polar, at codon 334 of the DES protein (p.Glu334Asp). This variant is not present in population databases (gnomAD no frequency). This variant has not been reported in the literature in individuals affected with DES-related conditions. Invitae Evidence Modeling of protein sequence and biophysical properties (such as structural, functional, and spatial information, amino acid conservation, physicochemical variation, residue mobility, and thermodynamic stability) has been performed for this missense variant. However, the output from this modeling did not meet the statistical confidence thresholds required to predict the impact of this variant on DES protein function. In summary, the available evidence is currently insufficient to determine the role of this variant in disease. Therefore, it has been classified as a Variant of Uncertain Significance.